The following is an entry in ClinVar:

NM_032776.3(JMJD1C):c.223T>C (p.Tyr75His)

Gene: JMJD1C (jumonji domain containing 1C; minus strand). Cytogenetic location: 10q21.3.
Variant type: single nucleotide variant.
Coding change: c.223T>C on transcript NM_032776.3 (MANE Select); coding-DNA position 223, T replaced by C.
Protein change: p.Tyr75His; replaces tyrosine 75 with histidine.
Molecular consequence: missense variant. On other transcripts: 5 prime UTR variant (2).
Genome position (GRCh38, 1-based): chr10:63,380,428, A>G on the plus strand (T>C on the coding strand, the complement: JMJD1C is on the minus strand). VCF-style: chr10-63380428-A-G. GRCh37 (hg19) VCF-style: chr10-65140188-A-G.
Other names: c.-324T>C (NM_001318154.2); c.223T>C, p.Tyr75His (NM_001322252.2); c.-329T>C (NM_001322258.2); short protein forms Y75H.
Identifiers: ClinVar variation 1976743 (VCV001976743.5), dbSNP rs190890554, ClinGen allele CA208660191.

ClinVar aggregate classification (germline): Uncertain significance (1 of 4 stars; one submission).

Conditions:
Early Myoclonic Encephalopathy. Identifiers: MedGen C0270855.

Allele frequency attached by ClinVar (database versions not stated): 1000 Genomes Project 30x 0.00016; TOPMed below 0.00001; 1000 Genomes Project 0.00020; gnomAD 0.00002.
gnomAD v4.1: 5 of 1,614,038 alleles (0.00031%); highest among the groups gnomAD compares: Admixed American, 0.0033%; no homozygotes.

Submission:

Labcorp Genetics (formerly Invitae), Labcorp
Classification: Uncertain significance for Early Myoclonic Encephalopathy. Last evaluated: 2023-07-30. Review status: criteria provided, single submitter. Criteria: Invitae Variant Classification Sherloc (09022015). Collection method: clinical testing. Allele origin: germline.
Comment: In summary, the available evidence is currently insufficient to determine the role of this variant in disease. Therefore, it has been classified as a Variant of Uncertain Significance. An algorithm developed to predict the effect of missense changes on protein structure and function (PolyPhen-2) suggests that this variant is likely to be disruptive. ClinVar contains an entry for this variant (Variation ID: 1976743). This variant has not been reported in the literature in individuals affected with JMJD1C-related conditions. This variant is present in population databases (rs190890554, gnomAD 0.0009%). This sequence change replaces tyrosine, which is neutral and polar, with histidine, which is basic and polar, at codon 75 of the JMJD1C protein (p.Tyr75His).